The following is an entry in ClinVar:

NM_001267550.2(TTN):c.11311+2100C>T

Gene: TTN (titin; minus strand). Cytogenetic location: 2q31.2.
Variant type: single nucleotide variant.
Coding change: c.11311+2100C>T on transcript NM_001267550.2 (MANE Select); 2100 bases into the intron after coding-DNA position 11311, C replaced by T.
Molecular consequence: intron variant. On other transcripts: synonymous variant (1).
Genome position (GRCh38, 1-based): chr2:178,751,024, G>A on the plus strand (C>T on the coding strand, the complement: TTN is on the minus strand). VCF-style: chr2-178751024-G-A. GRCh37 (hg19) VCF-style: chr2-179615751-G-A.
Other names: c.11376C>T, p.Ser3792= (NM_133379.5); c.10222+2100C>T (NM_003319.4); c.10798+2100C>T (NM_133437.4); c.10597+2100C>T (NM_133432.3); c.10360+2100C>T (NM_133378.4, NM_001256850.1).
Identifiers: ClinVar variation 2672851 (VCV002672851.23), dbSNP rs370873882, ClinGen allele CA2662154902.

ClinVar aggregate classification (germline): Likely benign (1 of 4 stars; one submission).

gnomAD v4.1: 2 of 1,612,560 alleles (0.00012%); highest among the groups gnomAD compares: Non-Finnish European, 0.00017%; no homozygotes.

Submission:

CeGaT Center for Human Genetics Tuebingen
Classification: Likely benign. Last evaluated: 2023-11-01. Review status: criteria provided, single submitter. Criteria: CeGaT Center For Human Genetics Tuebingen Variant Classification Criteria Version 2. Collection method: clinical testing. Allele origin: germline. Affected: yes. Observed: 1 variant allele.
Comment: TTN: PM2:Supporting, BP4, BP7